The following is an entry in ClinVar:

ClinVar aggregate classification (germline): Uncertain significance (1 of 4 stars; one submission).

Conditions:
Developmental and epileptic encephalopathy, 30 (DEE30). Also called: Epileptic encephalopathy, early infantile, 30. Identifiers: MedGen C4225360, MONDO:0014595, OMIM 616341.

Submission:

Labcorp Genetics (formerly Invitae), Labcorp
Classification: Uncertain significance for Developmental and epileptic encephalopathy, 30. Last evaluated: 2022-11-08. Review status: criteria provided, single submitter. Criteria: Invitae Variant Classification Sherloc (09022015). Collection method: clinical testing. Allele origin: germline.
Comment: In summary, the available evidence is currently insufficient to determine the role of this variant in disease. Therefore, it has been classified as a Variant of Uncertain Significance. Advanced modeling of protein sequence and biophysical properties (such as structural, functional, and spatial information, amino acid conservation, physicochemical variation, residue mobility, and thermodynamic stability) performed at Invitae indicates that this missense variant is not expected to disrupt SIK1 protein function. This variant has not been reported in the literature in individuals affected with SIK1-related conditions. This variant is not present in population databases (gnomAD no frequency). This sequence change replaces glycine, which is neutral and non-polar, with arginine, which is basic and polar, at codon 755 of the SIK1 protein (p.Gly755Arg).

NM_173354.5(SIK1):c.2263G>C (p.Gly755Arg)

Gene: SIK1 (salt inducible kinase 1; minus strand). Cytogenetic location: 21q22.3.
Variant type: single nucleotide variant.
Coding change: c.2263G>C on transcript NM_173354.5 (MANE Select); coding-DNA position 2263, G replaced by C.
Protein change: p.Gly755Arg; replaces glycine 755 with arginine.
Molecular consequence: missense variant.
Genome position (GRCh38, 1-based): chr21:43,416,831, C>G on the plus strand (G>C on the coding strand, the complement: SIK1 is on the minus strand). VCF-style: chr21-43416831-C-G. GRCh37 (hg19) VCF-style: chr21-44836711-C-G.
Other names: short protein forms G755R.
Identifiers: ClinVar variation 2778089 (VCV002778089.3), dbSNP rs1569013758, ClinGen allele CA410606346.
Genomic context (GRCh38, chr21:43,416,831, plus strand): 5'-AGCAGGGCATCAGGTCCTCCATCTCACAGTCCCCCTGCAGCAGCCCCAGGGGCTCACAAC[C>G]TGGGGCCAGCCTGGCCAGGCGTGGTGGGGGCACAGCGGGGAGGGCGGTGGGGCCGGTGCC-3'
Protein context (NP_775490.2, residues 745-765): PPPRLARLAP[Gly755Arg]CEPLGLLQGD